The following is an entry in ClinVar:

ClinVar aggregate classification (germline): Conflicting classifications of pathogenicity. Review status: criteria provided, conflicting classifications (1 of 4 stars). 3 submissions from 3 submitters: Uncertain significance (1); Likely benign (2). Last evaluated 2025-11-02.

Conditions:
Inborn genetic diseases. Identifiers: MedGen C0950123, MeSH D030342.
KBG syndrome (KBGS). Also called: ANKRD11-Related KBG Syndrome. Identifiers: Orphanet 2332, MedGen C0220687, MONDO:0007846, OMIM 148050.

Allele frequency attached by ClinVar (database versions not stated): ExAC 0.00004; ESP Exome Variant Server 0.00023.
gnomAD v4.1: 74 of 1,614,100 alleles (0.0046%); highest among the groups gnomAD compares: Non-Finnish European, 0.0059%; no homozygotes.

Submissions (3):

Labcorp Genetics (formerly Invitae), Labcorp
Classification: Uncertain significance for KBG syndrome. Last evaluated: 2025-11-02. Review status: criteria provided, single submitter. Criteria: Invitae Variant Classification Sherloc (09022015). Collection method: clinical testing. Allele origin: germline.
Comment: This sequence change replaces proline, which is neutral and non-polar, with leucine, which is neutral and non-polar, at codon 1643 of the ANKRD11 protein (p.Pro1643Leu). This variant is present in population databases (rs147690079, gnomAD 0.004%). This variant has not been reported in the literature in individuals affected with ANKRD11-related conditions. ClinVar contains an entry for this variant (Variation ID: 2854509). Invitae Evidence Modeling of protein sequence and biophysical properties (such as structural, functional, and spatial information, amino acid conservation, physicochemical variation, residue mobility, and thermodynamic stability) indicates that this missense variant is not expected to disrupt ANKRD11 protein function with a negative predictive value of 95%. In summary, the available evidence is currently insufficient to determine the role of this variant in disease. Therefore, it has been classified as a Variant of Uncertain Significance.

Ambry Genetics
Classification: Likely benign for Inborn genetic diseases. Last evaluated: 2025-04-19. Review status: criteria provided, single submitter. Criteria: Ambry Variant Classification Scheme 2023. Collection method: clinical testing. Allele origin: germline.

Blueprint Genetics
Classification: Likely benign. Last evaluated: 2023-08-29. Review status: criteria provided, single submitter. Criteria: ACMG Guidelines, 2015. Collection method: clinical testing. Allele origin: germline.

NM_013275.6(ANKRD11):c.4928C>T (p.Pro1643Leu)

Gene: ANKRD11 (ankyrin repeat domain 11; minus strand). Cytogenetic location: 16q24.3.
Variant type: single nucleotide variant.
Coding change: c.4928C>T on transcript NM_013275.6 (MANE Select); coding-DNA position 4928, C replaced by T.
Protein change: p.Pro1643Leu; replaces proline 1643 with leucine.
Molecular consequence: missense variant.
Genome position (GRCh38, 1-based): chr16:89,281,614, G>A on the plus strand (C>T on the coding strand, the complement: ANKRD11 is on the minus strand). VCF-style: chr16-89281614-G-A. GRCh37 (hg19) VCF-style: chr16-89348022-G-A.
Other names: c.4928C>T (NM_013275.4); c.4928C>T, p.Pro1643Leu (NM_001256182.2, NM_001256183.2); short protein forms P1643L.
Identifiers: ClinVar variation 2854509 (VCV002854509.5), dbSNP rs147690079, ClinGen allele CA8242013.